The following is an entry in ClinVar:

NM_000254.3(MTR):c.1485G>A (p.Met495Ile)

Gene: MTR (5-methyltetrahydrofolate-homocysteine methyltransferase; plus strand). Cytogenetic location: 1q43.
Variant type: single nucleotide variant.
Coding change: c.1485G>A on transcript NM_000254.3 (MANE Select); coding-DNA position 1485, G replaced by A.
Protein change: p.Met495Ile; replaces methionine 495 with isoleucine.
Molecular consequence: missense variant.
Genome position (GRCh38, 1-based): chr1:236,838,569, G>A. VCF-style: chr1-236838569-G-A. GRCh37 (hg19) VCF-style: chr1-237001869-G-A.
Other names: c.1485G>A, p.Met495Ile (NM_001291939.1); c.264G>A, p.Met88Ile (NM_001291940.2); short protein forms M495I, M88I.
Identifiers: ClinVar variation 779705 (VCV000779705.17), dbSNP rs2229275, ClinGen allele CA1474090.
Genomic context (GRCh38, chr1:236,838,569, plus strand): 5'-GGAAGGAGAGGACGACTTCTTGGAGAAGGCCAGGAAGATTAAAAAGTATGGAGCTGCTAT[G>A]GTGGTCATGGCTTTTGATGAAGAAGGACAGGTGAGTGGTTTCTTTTGGCCTAATCCATTG-3'
Protein context (NP_000245.2, residues 485-505): ARKIKKYGAA[Met495Ile]VVMAFDEEGQ

ClinVar aggregate classification (germline): Conflicting classifications of pathogenicity. Review status: criteria provided, conflicting classifications (1 of 4 stars). 4 submissions from 4 submitters: Uncertain significance (1); Benign (1); Likely benign (1). 1 of the submissions does not count toward it. Last evaluated 2026-01-16.

Conditions:
MTR-related disorder. Also called: MTR-related condition.
Methylcobalamin deficiency type cblG (HMAG). Also called: HOMOCYSTINURIA-MEGALOBLASTIC ANEMIA, cblG COMPLEMENTATION TYPE; HOMOCYSTINURIA-MEGALOBLASTIC ANEMIA, cblG TYPE; Functional methionine synthase deficiency type cblG; HOMOCYSTINURIA-MEGALOBLASTIC ANEMIA DUE TO DEFECT IN COBALAMIN METABOLISM, cblG COMPLEMENTATION TYPE. Identifiers: Orphanet 2170, Orphanet 622, MedGen C1855128, MONDO:0009609, OMIM 250940.
Disorders of Intracellular Cobalamin Metabolism. Identifiers: MedGen CN043592.

Allele frequency attached by ClinVar (database versions not stated): gnomAD exomes 0.00020 and 0.00059; ExAC 0.00073; 1000 Genomes Project 30x 0.00125; 1000 Genomes Project 0.00140; gnomAD 0.00241 and 0.00265; TOPMed 0.00271; ESP Exome Variant Server 0.00346.
gnomAD v4.1: 679 of 1,614,106 alleles (0.042%); highest among the groups gnomAD compares: African/African-American, 0.79%; 4 homozygotes.

Submissions (4):

Labcorp Genetics (formerly Invitae), Labcorp
Classification: Benign for Methylcobalamin deficiency type cblG. Last evaluated: 2026-01-16. Review status: criteria provided, single submitter. Criteria: Invitae Variant Classification Sherloc (09022015). Collection method: clinical testing. Allele origin: germline.

Blueprint Genetics
Classification: Uncertain significance. Last evaluated: 2024-11-13. Review status: criteria provided, single submitter. Criteria: ACMG Guidelines, 2015. Collection method: clinical testing. Allele origin: germline.

Illumina Laboratory Services, Illumina
Classification: Likely benign for Disorders of Intracellular Cobalamin Metabolism. Last evaluated: 2018-01-13. Review status: criteria provided, single submitter. Criteria: ICSL Variant Classification Criteria 13 December 2019. Collection method: clinical testing. Allele origin: germline.
Comment: This variant was observed in the ICSL laboratory as part of a predisposition screen in an ostensibly healthy population. It had not been previously curated by ICSL or reported in the Human Gene Mutation Database (HGMD: prior to June 1st, 2018), and was therefore a candidate for classification through an automated scoring system. Utilizing variant allele frequency, disease prevalence and penetrance estimates, and inheritance mode, an automated score was calculated to assess if this variant is too frequent to cause the disease. Based on the score and internal cut-off values, a variant classified as likely benign is not then subjected to further curation. The score for this variant resulted in a classification of likely benign for this disease.

PreventionGenetics, part of Exact Sciences
Classification: Benign for MTR-related condition. Last evaluated: 2019-05-27. Review status: no assertion criteria provided. Collection method: clinical testing. Allele origin: germline. Not counted in ClinVar's aggregate classification.
Comment: This variant is classified as benign based on ACMG/AMP sequence variant interpretation guidelines (Richards et al. 2015 PMID: 25741868, with internal and published modifications).